The following is an entry in ClinVar:

NM_000283.4(PDE6B):c.2298G>T (p.Glu766Asp)

Gene: PDE6B (phosphodiesterase 6B; plus strand). Cytogenetic location: 4p16.3.
Variant type: single nucleotide variant.
Coding change: c.2298G>T on transcript NM_000283.4 (MANE Select); coding-DNA position 2298, G replaced by T.
Protein change: p.Glu766Asp; replaces glutamic acid 766 with aspartic acid.
Molecular consequence: missense variant.
Genome position (GRCh38, 1-based): chr4:666,560, G>T. VCF-style: chr4-666560-G-T. GRCh37 (hg19) VCF-style: chr4-660349-G-T.
Other names: c.2298G>T, p.Glu766Asp (NM_001145291.2); c.1461G>T, p.Glu487Asp (NM_001145292.2, NM_001350154.3, NM_001379246.1 and 1 more transcripts); c.1143G>T, p.Glu381Asp (NM_001350155.3); short protein forms E487D, E381D, E766D.
Identifiers: ClinVar variation 1928012 (VCV001928012.5), dbSNP rs747972385, ClinGen allele CA2795002.

ClinVar aggregate classification (germline): Uncertain significance (1 of 4 stars; one submission).

Allele frequency attached by ClinVar (database versions not stated): gnomAD exomes below 0.00001; TOPMed below 0.00001; ExAC 0.00001; gnomAD 0.00001.
gnomAD v4.1: 5 of 1,613,084 alleles (0.00031%); highest among the groups gnomAD compares: African/African-American, 0.0027%; no homozygotes.

Submission:

Labcorp Genetics (formerly Invitae), Labcorp
Classification: Uncertain significance. Last evaluated: 2024-06-25. Review status: criteria provided, single submitter. Criteria: Invitae Variant Classification Sherloc (09022015). Collection method: clinical testing. Allele origin: germline.
Comment: This sequence change replaces glutamic acid, which is acidic and polar, with aspartic acid, which is acidic and polar, at codon 766 of the PDE6B protein (p.Glu766Asp). This variant is present in population databases (rs747972385, gnomAD 0.007%). This variant has not been reported in the literature in individuals affected with PDE6B-related conditions. ClinVar contains an entry for this variant (Variation ID: 1928012). Advanced modeling of protein sequence and biophysical properties (such as structural, functional, and spatial information, amino acid conservation, physicochemical variation, residue mobility, and thermodynamic stability) performed at Invitae indicates that this missense variant is not expected to disrupt PDE6B protein function with a negative predictive value of 95%. In summary, the available evidence is currently insufficient to determine the role of this variant in disease. Therefore, it has been classified as a Variant of Uncertain Significance.